The following is an entry in ClinVar:

NM_153700.2(STRC):c.4237A>T (p.Thr1413Ser)

Gene: STRC (stereocilin; minus strand). Cytogenetic location: 15q15.3.
Variant type: single nucleotide variant.
Coding change: c.4237A>T on transcript NM_153700.2 (MANE Select); coding-DNA position 4237, A replaced by T.
Protein change: p.Thr1413Ser; replaces threonine 1413 with serine.
Molecular consequence: missense variant.
Genome position (GRCh38, 1-based): chr15:43,604,134, T>A on the plus strand (A>T on the coding strand, the complement: STRC is on the minus strand). VCF-style: chr15-43604134-T-A. GRCh37 (hg19) VCF-style: chr15-43896332-T-A.
Other names: short protein forms T1413S.
Identifiers: ClinVar variation 805529 (VCV000805529.6), dbSNP rs754834213, ClinGen allele CA7528093.
Genomic context (GRCh38, chr15:43,604,134, plus strand): 5'-ACAGCTGTCCAACTCTGCTCTGCTCCCAGCTCTGCTGCTTTTCTAGAAGCCGCTCCAGGG[T>A]CTCTGGACCCAAGGCCTCCTGCATGAGAAGGTAGAAGGAGAGTGGGGAGATCTGGACAGA-3'
Protein context (NP_714544.1, residues 1403-1423): LIPREALGPE[Thr1413Ser]LERLLEKQQS

ClinVar aggregate classification (germline): Conflicting classifications of pathogenicity. Review status: criteria provided, conflicting classifications (1 of 4 stars). 3 submissions from 3 submitters: Uncertain significance (2); Likely benign (1). Last evaluated 2024-07-23.

Conditions:
Inborn genetic diseases. Identifiers: MedGen C0950123, MeSH D030342.

Allele frequency attached by ClinVar (database versions not stated): ExAC 0.00002; TOPMed 0.00002; gnomAD 0.00003 and 0.00004; gnomAD exomes 0.00003 and 0.00010.
gnomAD v4.1: 153 of 1,610,112 alleles (0.0095%); highest among the groups gnomAD compares: Non-Finnish European, 0.013%; no homozygotes.

Submissions (3):

Ambry Genetics
Classification: Uncertain significance for Inborn genetic diseases. Last evaluated: 2024-07-23. Review status: criteria provided, single submitter. Criteria: Ambry Variant Classification Scheme 2023. Collection method: clinical testing. Allele origin: germline.

Laboratory for Molecular Medicine, Mass General Brigham Personalized Medicine
Classification: Likely benign. Last evaluated: 2019-07-02. Review status: criteria provided, single submitter. Criteria: LMM Criteria. Collection method: clinical testing. Allele origin: germline. Observed: 1 variant allele.
Comment: The p.Thr1413Ser variant in STRC is classified as likely benign due to a lack of conservation across species. Three mammals (David's myotis, microbat, star-nosed mole) carry a threonine (Thr) at this position despite high nearby amino acid conservation. ACMG/AMP Criteria applied: BP4_Strong.

Athena Diagnostics
Classification: Uncertain significance. Last evaluated: 2019-05-14. Review status: criteria provided, single submitter. Criteria: Athena Diagnostics Criteria. Collection method: clinical testing. Allele origin: germline.